The following is an entry in ClinVar:

ClinVar aggregate classification (germline): Uncertain significance. Review status: criteria provided, multiple submitters, no conflicts (2 of 4 stars). 2 submissions from 2 submitters: Uncertain significance (2). Last evaluated 2025-07-01.

Conditions:
Primary ciliary dyskinesia. Also called: Ciliary dyskinesia. Identifiers: Orphanet 244, MedGen C0008780, MONDO:0016575, HP:0012265.

gnomAD v4.1: 3 of 1,613,924 alleles (0.00019%); highest among the groups gnomAD compares: Non-Finnish European, 0.00025%; no homozygotes.

Submissions (2):

Ambry Genetics
Classification: Uncertain significance for Primary ciliary dyskinesia. Last evaluated: 2025-07-01. Review status: criteria provided, single submitter. Criteria: Ambry Variant Classification Scheme 2023. Collection method: clinical testing. Allele origin: germline.

Labcorp Genetics (formerly Invitae), Labcorp
Classification: Uncertain significance for Primary ciliary dyskinesia. Last evaluated: 2024-08-28. Review status: criteria provided, single submitter. Criteria: Invitae Variant Classification Sherloc (09022015). Collection method: clinical testing. Allele origin: germline.
Comment: This sequence change replaces methionine, which is neutral and non-polar, with valine, which is neutral and non-polar, at codon 4198 of the DNAH11 protein (p.Met4198Val). This variant is not present in population databases (gnomAD no frequency). This variant has not been reported in the literature in individuals affected with DNAH11-related conditions. Invitae Evidence Modeling of protein sequence and biophysical properties (such as structural, functional, and spatial information, amino acid conservation, physicochemical variation, residue mobility, and thermodynamic stability) indicates that this missense variant is not expected to disrupt DNAH11 protein function with a negative predictive value of 95%. In summary, the available evidence is currently insufficient to determine the role of this variant in disease. Therefore, it has been classified as a Variant of Uncertain Significance.

NM_001277115.2(DNAH11):c.12592A>G (p.Met4198Val)

Gene: DNAH11 (dynein axonemal heavy chain 11; plus strand). Cytogenetic location: 7p15.3.
Variant type: single nucleotide variant.
Coding change: c.12592A>G on transcript NM_001277115.2 (MANE Select); coding-DNA position 12592, A replaced by G.
Protein change: p.Met4198Val; replaces methionine 4198 with valine.
Molecular consequence: missense variant.
Genome position (GRCh38, 1-based): chr7:21,892,509, A>G. VCF-style: chr7-21892509-A-G. GRCh37 (hg19) VCF-style: chr7-21932127-A-G.
Other names: c.12592A>G (NM_001277115.1); short protein forms M4198V.
Identifiers: ClinVar variation 3631346 (VCV003631346.2).